The following is an entry in ClinVar:

ClinVar aggregate classification (germline): Uncertain significance (1 of 4 stars; one submission).

Allele frequency attached by ClinVar (database versions not stated): gnomAD exomes below 0.00001.
gnomAD v4.1: 1 of 1,613,940 alleles (0.000062%); highest among the groups gnomAD compares: South Asian, 0.0011%; no homozygotes.

Submission:

GeneDx
Classification: Uncertain significance. Last evaluated: 2024-07-17. Review status: criteria provided, single submitter. Criteria: GeneDx Variant Classification Process June 2021. Collection method: clinical testing. Allele origin: germline. Affected: yes.
Comment: Not observed at significant frequency in large population cohorts (gnomAD); In silico analysis indicates that this missense variant does not alter protein structure/function; Has not been previously published as pathogenic or benign to our knowledge

NM_002609.4(PDGFRB):c.2233A>G (p.Lys745Glu)

Gene: PDGFRB (platelet derived growth factor receptor beta; minus strand). Cytogenetic location: 5q32.
Variant type: single nucleotide variant.
Coding change: c.2233A>G on transcript NM_002609.4 (MANE Select); coding-DNA position 2233, A replaced by G.
Protein change: p.Lys745Glu; replaces lysine 745 with glutamic acid.
Molecular consequence: missense variant.
Genome position (GRCh38, 1-based): chr5:150,121,991, T>C on the plus strand (A>G on the coding strand, the complement: PDGFRB is on the minus strand). VCF-style: chr5-150121991-T-C. GRCh37 (hg19) VCF-style: chr5-149501554-T-C.
Other names: c.2041A>G, p.Lys681Glu (NM_001355016.2); c.1750A>G, p.Lys584Glu (NM_001355017.2); short protein forms K584E, K681E, K745E.
Identifiers: ClinVar variation 1806545 (VCV001806545.2), dbSNP rs2113891291, ClinGen allele CA361762666.
Genomic context (GRCh38, chr5:150,121,991, plus strand): 5'-CTGCATATTTGACGTCTCCTTTCATGTCCAGCATGGGCACATAGTCCACCGACTCGTCCT[T>C]GCTCATGTCCATGTAGCCACCGTCGCTCTCCCCGGTCAAGGACACATGGCTGGGGGTAAA-3'
Protein context (NP_002600.1, residues 735-755): ESDGGYMDMS[Lys745Glu]DESVDYVPML